The following is an entry in ClinVar:

NC_000022.10:g.(?_29083885)_(29099564_?)del

Gene: CHEK2 (checkpoint kinase 2; minus strand). Cytogenetic location: 22q12.1.
Variant type: Deletion.
Identifiers: ClinVar variation 1070869 (VCV001070869.9).

ClinVar aggregate classification (germline): Pathogenic (1 of 4 stars; one submission).

Conditions:
Familial cancer of breast. Also called: Hereditary breast cancer; hereditary breast carcinoma; BREAST CANCER, FAMILIAL. Identifiers: Orphanet 227535, MedGen C0346153, MONDO:0016419, OMIM 114480. Disease mechanism: loss of function.

Submission:

Labcorp Genetics (formerly Invitae), Labcorp
Classification: Pathogenic for Familial cancer of breast. Last evaluated: 2022-10-17. Review status: criteria provided, single submitter. Criteria: Invitae Variant Classification Sherloc (09022015). Collection method: clinical testing. Allele origin: germline.
Comment: For these reasons, this variant has been classified as Pathogenic. This variant disrupts the serine/threonine kinase domain of the CHEK2 protein, which is essential for protein function (PMID: 30264118, 31843900, 29785007). While functional studies have not been performed to directly test the effect of this variant on CHEK2 protein function, this suggests that disruption of this region of the protein is causative of disease. This variant has not been reported in the literature in individuals affected with CHEK2-related conditions. This variant is a gross deletion of the genomic region encompassing exon(s) 8-15 of the CHEK2 gene, which includes the termination codon. This deletion extends beyond the assayed region for this gene and therefore may encompass additional genes. While this deletion is not anticipated to lead to nonsense mediated decay, it is expected to alter mRNA translation or result in a truncated protein product.

Literature cited by the submitters: PubMed 30264118; PubMed 31843900; PubMed 29785007.